The following is an entry in ClinVar:

ClinVar aggregate classification (germline): Uncertain significance. Review status: criteria provided, multiple submitters, no conflicts (2 of 4 stars). 3 submissions from 3 submitters: Uncertain significance (3). Last evaluated 2024-12-06.

Conditions:
Perlman syndrome (PRLMNS). Identifiers: Orphanet 2849, MedGen C0796113, MONDO:0009965, OMIM 267000.
Inborn genetic diseases. Identifiers: MedGen C0950123, MeSH D030342.

Allele frequency attached by ClinVar (database versions not stated): gnomAD exomes below 0.00001 and 0.00001; ExAC 0.00001; gnomAD 0.00001; TOPMed 0.00001; ESP Exome Variant Server 0.00008.
gnomAD v4.1: 7 of 1,613,760 alleles (0.00043%); highest among the groups gnomAD compares: Admixed American, 0.0017%; no homozygotes.

Submissions (3):

Ambry Genetics
Classification: Uncertain significance for Inborn genetic diseases. Last evaluated: 2024-12-06. Review status: criteria provided, single submitter. Criteria: Ambry Variant Classification Scheme 2023. Collection method: clinical testing. Allele origin: germline.

Labcorp Genetics (formerly Invitae), Labcorp
Classification: Uncertain significance for Perlman syndrome. Last evaluated: 2024-04-22. Review status: criteria provided, single submitter. Criteria: Invitae Variant Classification Sherloc (09022015). Collection method: clinical testing. Allele origin: germline.
Comment: This sequence change replaces methionine, which is neutral and non-polar, with valine, which is neutral and non-polar, at codon 744 of the DIS3L2 protein (p.Met744Val). This variant is present in population databases (rs368850409, gnomAD 0.008%). This variant has not been reported in the literature in individuals affected with DIS3L2-related conditions. ClinVar contains an entry for this variant (Variation ID: 1009173). Advanced modeling of protein sequence and biophysical properties (such as structural, functional, and spatial information, amino acid conservation, physicochemical variation, residue mobility, and thermodynamic stability) performed at Invitae indicates that this missense variant is not expected to disrupt DIS3L2 protein function with a negative predictive value of 80%. In summary, the available evidence is currently insufficient to determine the role of this variant in disease. Therefore, it has been classified as a Variant of Uncertain Significance.

Fulgent Genetics
Classification: Uncertain significance for Perlman syndrome. Last evaluated: 2024-01-18. Review status: criteria provided, single submitter. Criteria: ACMG Guidelines, 2015. Collection method: clinical testing. Allele origin: germline.

NM_152383.5(DIS3L2):c.2230A>G (p.Met744Val)

Gene: DIS3L2 (DIS3 like 3'-5' exoribonuclease 2; plus strand). Cytogenetic location: 2q37.1.
Variant type: single nucleotide variant.
Coding change: c.2230A>G on transcript NM_152383.5 (MANE Select); coding-DNA position 2230, A replaced by G.
Protein change: p.Met744Val; replaces methionine 744 with valine.
Molecular consequence: missense variant. On other transcripts: non-coding transcript variant (2), intron variant (1).
Genome position (GRCh38, 1-based): chr2:232,334,440, A>G. VCF-style: chr2-232334440-A-G. GRCh37 (hg19) VCF-style: chr2-233199150-A-G.
Other names: c.1582-8905A>G (NM_001257281.2); c.2230A>G (NM_152383.4); short protein forms M744V.
Identifiers: ClinVar variation 1009173 (VCV001009173.8), dbSNP rs368850409, ClinGen allele CA2164459.